The following is an entry in ClinVar:

NM_018129.4(PNPO):c.323G>T (p.Arg108Leu)

Gene: PNPO (pyridoxamine 5'-phosphate oxidase; plus strand). Cytogenetic location: 17q21.32.
Variant type: single nucleotide variant.
Coding change: c.323G>T on transcript NM_018129.4 (MANE Select); coding-DNA position 323, G replaced by T.
Protein change: p.Arg108Leu; replaces arginine 108 with leucine.
Molecular consequence: missense variant.
Genome position (GRCh38, 1-based): chr17:47,944,675, G>T. VCF-style: chr17-47944675-G-T. GRCh37 (hg19) VCF-style: chr17-46022041-G-T.
Other names: short protein forms R108L.
Identifiers: ClinVar variation 582891 (VCV000582891.7), dbSNP rs769985808, ClinGen allele CA8629148.
Genomic context (GRCh38, chr17:47,944,675, plus strand): 5'-GAGATGGAAAACCCTCTGCTCGCATGTTGCTGCTGAAGGGCTTCGGGAAAGATGGCTTCC[G>T]CTTCTTCACTAACTTCGAGAGTCGAAAAGGAAAAGAGCTGGTGGGTGAAAAGAGCTAGTA-3'
Protein context (NP_060599.1, residues 98-118): LLKGFGKDGF[Arg108Leu]FFTNFESRKG

ClinVar aggregate classification (germline): Uncertain significance. Review status: criteria provided, multiple submitters, no conflicts (2 of 4 stars). 2 submissions from 2 submitters: Uncertain significance (2). Last evaluated 2025-05-16.

Conditions:
Inborn genetic diseases. Identifiers: MedGen C0950123, MeSH D030342.
Pyridoxal phosphate-responsive seizures (PNPOD). Also called: Pyridoxal 5'-Phosphate (PLP)-Dependent Epilepsy; Pyridoxamine 5-Prime-Phosphate Oxidase Deficiency; Pyridoxine-5'-phosphate oxidase deficiency; EPILEPTIC ENCEPHALOPATHY, NEONATAL, PNPO-RELATED; SEIZURES, PYRIDOXINE-RESISTANT, PLP-SENSITIVE. Identifiers: Orphanet 79096, MedGen C1864723, MONDO:0012407, OMIM 610090. Disease mechanism: loss of function.

Allele frequency attached by ClinVar (database versions not stated): gnomAD exomes below 0.00001; ExAC 0.00001; TOPMed 0.00001.

Submissions (2):

Ambry Genetics
Classification: Uncertain significance for Inborn genetic diseases. Last evaluated: 2025-05-16. Review status: criteria provided, single submitter. Criteria: Ambry Variant Classification Scheme 2023. Collection method: clinical testing. Allele origin: germline.

Labcorp Genetics (formerly Invitae), Labcorp
Classification: Uncertain significance for Pyridoxal phosphate-responsive seizures. Last evaluated: 2022-08-23. Review status: criteria provided, single submitter. Criteria: Invitae Variant Classification Sherloc (09022015). Collection method: clinical testing. Allele origin: germline.
Comment: This sequence change replaces arginine, which is basic and polar, with leucine, which is neutral and non-polar, at codon 108 of the PNPO protein (p.Arg108Leu). This variant is present in population databases (rs769985808, gnomAD 0.01%). This variant has not been reported in the literature in individuals affected with PNPO-related conditions. ClinVar contains an entry for this variant (Variation ID: 582891). Algorithms developed to predict the effect of missense changes on protein structure and function (SIFT, PolyPhen-2, Align-GVGD) all suggest that this variant is likely to be tolerated. In summary, the available evidence is currently insufficient to determine the role of this variant in disease. Therefore, it has been classified as a Variant of Uncertain Significance.